The following is an entry in ClinVar:

NM_174916.3(UBR1):c.3739A>G (p.Asn1247Asp)

Gene: UBR1 (ubiquitin protein ligase E3 component n-recognin 1; minus strand). Cytogenetic location: 15q15.2.
Variant type: single nucleotide variant.
Coding change: c.3739A>G on transcript NM_174916.3 (MANE Select); coding-DNA position 3739, A replaced by G.
Protein change: p.Asn1247Asp; replaces asparagine 1247 with aspartic acid.
Molecular consequence: missense variant.
Genome position (GRCh38, 1-based): chr15:42,998,186, T>C on the plus strand (A>G on the coding strand, the complement: UBR1 is on the minus strand). VCF-style: chr15-42998186-T-C. GRCh37 (hg19) VCF-style: chr15-43290384-T-C.
Other names: short protein forms N1247D.
Identifiers: ClinVar variation 2105785 (VCV002105785.1), dbSNP rs2032668919, ClinGen allele CA392053785.

ClinVar aggregate classification (germline): Uncertain significance (1 of 4 stars; one submission).

Allele frequency attached by ClinVar (database versions not stated): TOPMed below 0.00001.

Submission:

Labcorp Genetics (formerly Invitae), Labcorp
Classification: Uncertain significance. Last evaluated: 2022-05-07. Review status: criteria provided, single submitter. Criteria: Invitae Variant Classification Sherloc (09022015). Collection method: clinical testing. Allele origin: germline.
Comment: This sequence change replaces asparagine, which is neutral and polar, with aspartic acid, which is acidic and polar, at codon 1247 of the UBR1 protein (p.Asn1247Asp). This variant is not present in population databases (gnomAD no frequency). This variant has not been reported in the literature in individuals affected with UBR1-related conditions. Algorithms developed to predict the effect of missense changes on protein structure and function are either unavailable or do not agree on the potential impact of this missense change (SIFT: "Deleterious"; PolyPhen-2: "Benign"; Align-GVGD: "Class C0"). In summary, the available evidence is currently insufficient to determine the role of this variant in disease. Therefore, it has been classified as a Variant of Uncertain Significance.